The following is an entry in ClinVar:

NM_004304.5(ALK):c.3098T>C (p.Leu1033Pro)

Gene: ALK (ALK receptor tyrosine kinase; minus strand). Cytogenetic location: 2p23.2.
Variant type: single nucleotide variant.
Coding change: c.3098T>C on transcript NM_004304.5 (MANE Select); coding-DNA position 3098, T replaced by C.
Protein change: p.Leu1033Pro; replaces leucine 1033 with proline.
Molecular consequence: missense variant.
Genome position (GRCh38, 1-based): chr2:29,225,535, A>G on the plus strand (T>C on the coding strand, the complement: ALK is on the minus strand). VCF-style: chr2-29225535-A-G. GRCh37 (hg19) VCF-style: chr2-29448401-A-G.
Other names: c.3098T>C (NM_004304.4); short protein forms L1033P.
Identifiers: ClinVar variation 1499076 (VCV001499076.7), dbSNP rs572614173, ClinGen allele CA346466996.

ClinVar aggregate classification (germline): Uncertain significance. Review status: criteria provided, multiple submitters, no conflicts (2 of 4 stars). 2 submissions from 2 submitters: Uncertain significance (2). Last evaluated 2023-12-31.

Conditions:
Neuroblastoma, susceptibility to, 3. Also called: ALK-Related Neuroblastic Tumor Susceptibility. Identifiers: Orphanet 635, MedGen C2751681, MONDO:0013083, OMIM 613014.
Hereditary cancer-predisposing syndrome. Also called: Tumor predisposition; Hereditary neoplastic syndrome; Neoplastic Syndromes, Hereditary; Hereditary Cancer Syndrome. Identifiers: Orphanet 140162, MedGen C0027672, MeSH D009386, MONDO:0015356.

gnomAD v4.1: 3 of 1,612,478 alleles (0.00019%); highest among the groups gnomAD compares: Non-Finnish European, 0.00025%; no homozygotes.

Submissions (2):

Labcorp Genetics (formerly Invitae), Labcorp
Classification: Uncertain significance for Neuroblastoma, susceptibility to, 3. Last evaluated: 2023-12-31. Review status: criteria provided, single submitter. Criteria: Invitae Variant Classification Sherloc (09022015). Collection method: clinical testing. Allele origin: germline.
Comment: This sequence change replaces leucine, which is neutral and non-polar, with proline, which is neutral and non-polar, at codon 1033 of the ALK protein (p.Leu1033Pro). This variant is not present in population databases (gnomAD no frequency). This variant has not been reported in the literature in individuals affected with ALK-related conditions. ClinVar contains an entry for this variant (Variation ID: 1499076). An algorithm developed to predict the effect of missense changes on protein structure and function (PolyPhen-2) suggests that this variant is likely to be disruptive. In summary, the available evidence is currently insufficient to determine the role of this variant in disease. Therefore, it has been classified as a Variant of Uncertain Significance.

Ambry Genetics
Classification: Uncertain significance for Hereditary cancer-predisposing syndrome. Last evaluated: 2023-09-15. Review status: criteria provided, single submitter. Criteria: Ambry Variant Classification Scheme 2023. Collection method: clinical testing. Allele origin: germline.
Comment: The p.L1033P variant (also known as c.3098T>C), located in coding exon 19 of the ALK gene, results from a T to C substitution at nucleotide position 3098. The leucine at codon 1033 is replaced by proline, an amino acid with similar properties. This amino acid position is conserved. In addition, this alteration is predicted to be deleterious by in silico analysis. Since supporting evidence is limited at this time, the clinical significance of this alteration remains unclear.